The following is an entry in ClinVar:

ClinVar aggregate classification (germline): Uncertain significance (1 of 4 stars; one submission).

Conditions:
Mevalonic aciduria (MEVA). Identifiers: Orphanet 29, MedGen C1959626, MONDO:0012481, OMIM 610377.
Hyperimmunoglobulin D with periodic fever (HIDS). Also called: HYPERIMMUNOGLOBULINEMIA D AND PERIODIC FEVER SYNDROME; Hyperimmunoglobulinemia D; Hyperimmunoglobulinemia D with periodic fever. Identifiers: Orphanet 343, MedGen C0398691, MONDO:0009849, OMIM 260920.
Porokeratosis 3, disseminated superficial actinic type (POROK3). Also called: POROKERATOSIS, DISSEMINATED SUPERFICIAL ACTINIC, 1; POROKERATOSIS 3, MULTIPLE TYPES; POROKERATOSIS 3, MIBELLI TYPE. Identifiers: MedGen C1867981, MONDO:0008293, OMIM 175900.

Allele frequency attached by ClinVar (database versions not stated): gnomAD exomes 0.00001; TOPMed 0.00001; ExAC 0.00002.
gnomAD v4.1: 11 of 1,614,126 alleles (0.00068%); highest among the groups gnomAD compares: East Asian, 0.018%; no homozygotes.

Submission:

Labcorp Genetics (formerly Invitae), Labcorp
Classification: Uncertain significance for Mevalonic aciduria; Hyperimmunoglobulin D with periodic fever; Porokeratosis 3, disseminated superficial actinic type. Last evaluated: 2025-05-12. Review status: criteria provided, single submitter. Criteria: Invitae Variant Classification Sherloc (09022015). Collection method: clinical testing. Allele origin: germline.
Comment: This sequence change replaces leucine, which is neutral and non-polar, with valine, which is neutral and non-polar, at codon 264 of the MVK protein (p.Leu264Val). This variant is present in population databases (rs104895315, gnomAD 0.04%). This variant has not been reported in the literature in individuals affected with MVK-related conditions. ClinVar contains an entry for this variant (Variation ID: 2943883). An algorithm developed to predict the effect of missense changes on protein structure and function outputs the following: PolyPhen-2: "Benign". The valine amino acid residue is found in multiple mammalian species, which suggests that this missense change does not adversely affect protein function. This variant disrupts the p.Leu264 amino acid residue in MVK. Other variant(s) that disrupt this residue have been determined to be pathogenic (PMID: 10417275, 11313768, 19786432, 22038276, 22566169, 29047407). This suggests that this residue is clinically significant, and that variants that disrupt this residue are likely to be disease-causing. In summary, the available evidence is currently insufficient to determine the role of this variant in disease. Therefore, it has been classified as a Variant of Uncertain Significance.

Literature cited by the submitters: PubMed 10417275; PubMed 11313768; PubMed 19786432; PubMed 22038276; PubMed 22566169; PubMed 29047407.

NM_000431.4(MVK):c.790C>G (p.Leu264Val)

Gene: MVK (mevalonate kinase; plus strand). Cytogenetic location: 12q24.11.
Variant type: single nucleotide variant.
Coding change: c.790C>G on transcript NM_000431.4 (MANE Select); coding-DNA position 790, C replaced by G.
Protein change: p.Leu264Val; replaces leucine 264 with valine.
Molecular consequence: missense variant. On other transcripts: non-coding transcript variant (4).
Genome position (GRCh38, 1-based): chr12:109,591,262, C>G. VCF-style: chr12-109591262-C-G. GRCh37 (hg19) VCF-style: chr12-110029067-C-G.
Other names: c.790C>G, p.Leu264Val (NM_001114185.3, NM_001414511.1, NM_001414513.1); c.634C>G, p.Leu212Val (NM_001301182.2, NM_001414514.1); c.865C>G, p.Leu289Val (NM_001414512.1); c.208C>G, p.Leu70Val (NM_001414515.1); short protein forms L212V, L264V, L70V, L289V.
Identifiers: ClinVar variation 2943883 (VCV002943883.3), dbSNP rs104895315, ClinGen allele CA6779383.